The following is an entry in ClinVar:

ClinVar aggregate classification (germline): Likely benign (1 of 4 stars; one submission).

Conditions:
Catecholaminergic polymorphic ventricular tachycardia (CVPT). Also called: Catecholamine-induced polymorphic ventricular tachycardia. Identifiers: Orphanet 3286, MedGen C5574922, MONDO:0017990.

Submission:

All of Us Research Program, National Institutes of Health
Classification: Likely benign for Catecholaminergic polymorphic ventricular tachycardia. Last evaluated: 2023-12-13. Review status: criteria provided, single submitter. Criteria: ACMG Guidelines, 2015. Collection method: clinical testing. Allele origin: germline. Inheritance: Autosomal dominant inheritance. Observed: 1 variant allele, 1 heterozygote.
Comment: This study involves interpretation of variants in research participants for the purpose of population health screening. Participant phenotype was not available at the time of variant classification. Additional details can be found in publication PMID: 35346344, PMCID: PMC8962531

NM_001035.3(RYR2):c.10167C>T (p.Asn3389=)

Gene: RYR2 (ryanodine receptor 2; plus strand). Cytogenetic location: 1q43.
Variant type: single nucleotide variant.
Coding change: c.10167C>T on transcript NM_001035.3 (MANE Select); coding-DNA position 10167, C replaced by T.
Protein change: p.Asn3389=; no amino-acid change (asparagine 3389 retained).
Molecular consequence: synonymous variant.
Genome position (GRCh38, 1-based): chr1:237,709,504, C>T. VCF-style: chr1-237709504-C-T. GRCh37 (hg19) VCF-style: chr1-237872804-C-T.
Identifiers: ClinVar variation 3074913 (VCV003074913.1), dbSNP rs2547416248, ClinGen allele CA423819468.